The following is an entry in ClinVar:

ClinVar aggregate classification (germline): Uncertain significance (1 of 4 stars; one submission).

Allele frequency attached by ClinVar (database versions not stated): gnomAD exomes below 0.00001; TOPMed 0.00001.
gnomAD v4.1: 4 of 1,613,762 alleles (0.00025%); highest among the groups gnomAD compares: Non-Finnish European, 0.00025%; no homozygotes.

Submission:

Ambry Genetics
Classification: Uncertain significance. Last evaluated: 2023-11-21. Review status: criteria provided, single submitter. Criteria: Ambry Variant Classification Scheme 2023. Collection method: clinical testing. Allele origin: germline.
Comment: The p.E1799K variant (also known as c.5395G>A), located in coding exon 5 of the ALPK2 gene, results from a G to A substitution at nucleotide position 5395. The glutamic acid at codon 1799 is replaced by lysine, an amino acid with similar properties. This amino acid position is conserved. In addition, this alteration is predicted to be tolerated by in silico analysis. Since supporting evidence is limited at this time, the clinical significance of this alteration remains unclear.

NM_052947.4(ALPK2):c.5395G>A (p.Glu1799Lys)

Gene: ALPK2 (alpha kinase 2; minus strand). Cytogenetic location: 18q21.31.
Variant type: single nucleotide variant.
Coding change: c.5395G>A on transcript NM_052947.4 (MANE Select); coding-DNA position 5395, G replaced by A.
Protein change: p.Glu1799Lys; replaces glutamic acid 1799 with lysine.
Molecular consequence: missense variant.
Genome position (GRCh38, 1-based): chr18:58,529,197, C>T on the plus strand (G>A on the coding strand, the complement: ALPK2 is on the minus strand). VCF-style: chr18-58529197-C-T. GRCh37 (hg19) VCF-style: chr18-56196429-C-T.
Other names: short protein forms E1799K.
Identifiers: ClinVar variation 3228796 (VCV003228796.1), dbSNP rs968656073, ClinGen allele CA402554209.